The following is an entry in ClinVar:

NM_001130144.3(LTBP3):c.517G>T (p.Ala173Ser)

Gene: LTBP3 (latent transforming growth factor beta binding protein 3; minus strand). Cytogenetic location: 11q13.1.
Variant type: single nucleotide variant.
Coding change: c.517G>T on transcript NM_001130144.3 (MANE Select); coding-DNA position 517, G replaced by T.
Protein change: p.Ala173Ser; replaces alanine 173 with serine.
Molecular consequence: missense variant.
Genome position (GRCh38, 1-based): chr11:65,554,195, C>A on the plus strand (G>T on the coding strand, the complement: LTBP3 is on the minus strand). VCF-style: chr11-65554195-C-A. GRCh37 (hg19) VCF-style: chr11-65321666-C-A.
Other names: c.166G>T, p.Ala56Ser (NM_001164266.1); c.517G>T, p.Ala173Ser (NM_021070.4); short protein forms A56S, A173S.
Identifiers: ClinVar variation 2447601 (VCV002447601.6), dbSNP rs1856723883, ClinGen allele CA381276470.

ClinVar aggregate classification (germline): Uncertain significance. Review status: criteria provided, multiple submitters, no conflicts (2 of 4 stars). 3 submissions from 3 submitters: Uncertain significance (3). Last evaluated 2026-01-19.

Conditions:
Brachyolmia-amelogenesis imperfecta syndrome. Also called: PLATYSPONDYLY WITH AMELOGENESIS IMPERFECTA; Tooth agenesis, selective, 6; Dental anomalies and short stature. Identifiers: Orphanet 2899, MedGen C1832594, MONDO:0011018, OMIM 601216. Disease mechanism: loss of function.
Inborn genetic diseases. Identifiers: MedGen C0950123, MeSH D030342.
LTBP3-related disorder. Also called: LTBP3-related condition.

Allele frequency attached by ClinVar (database versions not stated): gnomAD exomes 0.00001.
gnomAD v4.1: 8 of 1,611,228 alleles (0.0005%); highest among the groups gnomAD compares: Non-Finnish European, 0.00068%; no homozygotes.

Submissions (3):

PreventionGenetics, part of Exact Sciences
Classification: Uncertain significance for LTBP3-related condition. Last evaluated: 2026-01-19. Review status: criteria provided, single submitter. Criteria: ACMG Guidelines, 2015. Collection method: clinical testing. Allele origin: germline.
Comment: The LTBP3 c.517G>T variant is predicted to result in the amino acid substitution p.Ala173Ser. To our knowledge, this variant has not been reported in the literature or in a large population database (gnomAD), indicating this variant is rare. At this time, the clinical significance of this variant is uncertain due to the absence of conclusive functional and genetic evidence.

Labcorp Genetics (formerly Invitae), Labcorp
Classification: Uncertain significance for Brachyolmia-amelogenesis imperfecta syndrome. Last evaluated: 2026-01-17. Review status: criteria provided, single submitter. Criteria: Invitae Variant Classification Sherloc (09022015). Collection method: clinical testing. Allele origin: germline.
Comment: This sequence change replaces alanine, which is neutral and non-polar, with serine, which is neutral and polar, at codon 173 of the LTBP3 protein (p.Ala173Ser). This variant is not present in population databases (gnomAD no frequency). This variant has not been reported in the literature in individuals affected with LTBP3-related conditions. ClinVar contains an entry for this variant (Variation ID: 2447601). An algorithm developed to predict the effect of missense changes on protein structure and function (PolyPhen-2) suggests that this variant is likely to be tolerated. In summary, the available evidence is currently insufficient to determine the role of this variant in disease. Therefore, it has been classified as a Variant of Uncertain Significance.

Ambry Genetics
Classification: Uncertain significance for Inborn genetic diseases. Last evaluated: 2023-03-07. Review status: criteria provided, single submitter. Criteria: Ambry Variant Classification Scheme 2023. Collection method: clinical testing. Allele origin: germline.
Comment: The p.A173S variant (also known as c.517G>T), located in coding exon 2 of the LTBP3 gene, results from a G to T substitution at nucleotide position 517. The alanine at codon 173 is replaced by serine, an amino acid with similar properties. This amino acid position is conserved. In addition, this alteration is predicted to be tolerated by in silico analysis. Since supporting evidence is limited at this time, the clinical significance of this alteration remains unclear.